The following is an entry in ClinVar:

ClinVar aggregate classification (germline): Conflicting classifications of pathogenicity. Review status: criteria provided, conflicting classifications (1 of 4 stars). 3 submissions from 3 submitters: Uncertain significance (1); Likely benign (1). 1 of the submissions does not count toward it. Last evaluated 2023-10-26.

Conditions:
SETX-related disorder. Also called: SETX-related condition; SETX-related disorders. Identifiers: MedGen CN239403.
Inborn genetic diseases. Identifiers: MedGen C0950123, MeSH D030342.
Amyotrophic lateral sclerosis type 4 (ALS4). Also called: AMYOTROPHIC LATERAL SCLEROSIS 4, JUVENILE; NEURONOPATHY, DISTAL HEREDITARY MOTOR, WITH PYRAMIDAL FEATURES. Identifiers: Orphanet 357043, MedGen C1865409, MONDO:0011223, OMIM 602433.
Spinocerebellar ataxia, autosomal recessive, with axonal neuropathy 2 (SCAN2). Also called: Ataxia with Oculomotor Apraxia; ATAXIA-OCULOMOTOR APRAXIA 2; Ataxia with Oculomotor Apraxia Type 2; Ataxia-ocular apraxia-2. Identifiers: Orphanet 64753, MedGen C1853761, MONDO:0018996, OMIM 606002.

Allele frequency attached by ClinVar (database versions not stated): gnomAD exomes 0.00004; gnomAD 0.00005; TOPMed 0.00005.
gnomAD v4.1: 69 of 1,614,106 alleles (0.0043%); highest among the groups gnomAD compares: Non-Finnish European, 0.0056%; no homozygotes.

Submissions (3):

Labcorp Genetics (formerly Invitae), Labcorp
Classification: Likely benign for Amyotrophic lateral sclerosis type 4; Spinocerebellar ataxia, autosomal recessive, with axonal neuropathy 2. Last evaluated: 2023-10-26. Review status: criteria provided, single submitter. Criteria: Invitae Variant Classification Sherloc (09022015). Collection method: clinical testing. Allele origin: germline.

Ambry Genetics
Classification: Uncertain significance for Inborn genetic diseases. Last evaluated: 2020-09-10. Review status: criteria provided, single submitter. Criteria: Ambry Variant Classification Scheme 2023. Collection method: clinical testing. Allele origin: germline.
Comment: The p.Q552P variant (also known as c.1655A>C), located in coding exon 8 of the SETX gene, results from an A to C substitution at nucleotide position 1655. The glutamine at codon 552 is replaced by proline, an amino acid with similar properties. This amino acid position is well conserved in available vertebrate species. In addition, the in silico prediction for this alteration is inconclusive. Since supporting evidence is limited at this time, the clinical significance of this alteration remains unclear.

PreventionGenetics, part of Exact Sciences
Classification: Uncertain significance for SETX-related condition. Last evaluated: 2024-06-28. Review status: no assertion criteria provided. Collection method: clinical testing. Allele origin: germline. Not counted in ClinVar's aggregate classification.
Comment: The SETX c.1655A>C variant is predicted to result in the amino acid substitution p.Gln552Pro. To our knowledge, this variant has not been reported in the literature. This variant is reported in 0.0065% of alleles in individuals of European (Non-Finnish) descent in gnomAD. A different variant affecting the same amino acid (p.Gln552His) was reported in one individual with peripheral neuropathies, who also carried another variant in this gene (Table 1, Laššuthová et al. 2016. PubMed ID: 27549087). At this time, the clinical significance of this variant is uncertain due to the absence of conclusive functional and genetic evidence.

NM_015046.7(SETX):c.1655A>C (p.Gln552Pro)

Gene: SETX (senataxin; minus strand). Cytogenetic location: 9q34.13.
Variant type: single nucleotide variant.
Coding change: c.1655A>C on transcript NM_015046.7 (MANE Select); coding-DNA position 1655, A replaced by C.
Protein change: p.Gln552Pro; replaces glutamine 552 with proline.
Molecular consequence: missense variant.
Genome position (GRCh38, 1-based): chr9:132,329,943, T>G on the plus strand (A>C on the coding strand, the complement: SETX is on the minus strand). VCF-style: chr9-132329943-T-G. GRCh37 (hg19) VCF-style: chr9-135205330-T-G.
Other names: c.1655A>C, p.Gln552Pro (NM_001351527.2, NM_001351528.2); short protein forms Q552P.
Identifiers: ClinVar variation 1777329 (VCV001777329.6), dbSNP rs971534664, ClinGen allele CA200813819.
Genomic context (GRCh38, chr9:132,329,943, plus strand): 5'-AGAGATAAATTTCCTCTAAGGAATAAGTTGAGCTTATCCCAGAATCGCTTGCAAAGAGAC[T>G]GCTGCCCAAGCTGATAACCTTCTTTAAGGAGACTTCTAATCAGCTGCACATAAGCAAGTT-3'
Protein context (NP_055861.3, residues 542-562): LLKEGYQLGQ[Gln552Pro]SLCKRFWDKL